The following is an entry in ClinVar:

ClinVar aggregate classification (germline): Uncertain significance (1 of 4 stars; one submission).

Conditions:
Hereditary cancer-predisposing syndrome. Also called: Hereditary neoplastic syndrome; Neoplastic Syndromes, Hereditary; Tumor predisposition; Hereditary Cancer Syndrome. Identifiers: Orphanet 140162, MedGen C0027672, MeSH D009386, MONDO:0015356.

Submission:

Ambry Genetics
Classification: Uncertain significance for Hereditary cancer-predisposing syndrome. Last evaluated: 2026-06-08. Review status: criteria provided, single submitter. Criteria: Ambry Variant Classification Scheme 2023. Collection method: clinical testing. Allele origin: germline.
Comment: The p.N189I variant (also known as c.566A>T), located in coding exon 1 of the HOXB13 gene, results from an A to T substitution at nucleotide position 566. The asparagine at codon 189 is replaced by isoleucine, an amino acid with dissimilar properties. This amino acid position is conserved. In addition, this alteration is predicted to be tolerated by in silico analysis. Based on the available evidence, the clinical significance of this variant remains unclear.

NM_006361.6(HOXB13):c.566A>T (p.Asn189Ile)

Gene: HOXB13 (homeobox B13; minus strand). Cytogenetic location: 17q21.32.
Variant type: single nucleotide variant.
Coding change: c.566A>T on transcript NM_006361.6 (MANE Select); coding-DNA position 566, A replaced by T.
Protein change: p.Asn189Ile; replaces asparagine 189 with isoleucine.
Molecular consequence: missense variant.
Genome position (GRCh38, 1-based): chr17:48,728,028, T>A on the plus strand (A>T on the coding strand, the complement: HOXB13 is on the minus strand). VCF-style: chr17-48728028-T-A. GRCh37 (hg19) VCF-style: chr17-46805390-T-A.
Other names: short protein forms N189I.
Identifiers: ClinVar variation 4858381 (VCV004858381.1).